The following is an entry in ClinVar:

ClinVar aggregate classification (germline): Pathogenic (1 of 4 stars; one submission).

Conditions:
Breast-ovarian cancer, familial, susceptibility to, 1 (BROVCA1). Also called: OVARIAN CANCER, SUSCEPTIBILITY TO; BRCA1 Hereditary Breast and Ovarian Cancer. Identifiers: Orphanet 145, MedGen C2676676, MONDO:0011450, OMIM 604370. Disease mechanism: loss of function.

Submission:

Myriad Genetics, Inc.
Classification: Pathogenic for Breast-ovarian cancer, familial, susceptibility to, 1. Last evaluated: 2026-02-12. Review status: criteria provided, single submitter. Criteria: Myriad Autosomal Dominant, Autosomal Recessive and X-Linked Classification Criteria (2023). Collection method: clinical testing. Allele origin: unknown.
Comment: This variant is considered pathogenic. This variant creates a frameshift predicted to result in premature protein truncation.

NM_007294.4(BRCA1):c.3858del (p.Ser1286fs)

Genes: BRCA1 (BRCA1 DNA repair associated; minus strand), LOC126862571 (BRD4-independent group 4 enhancer GRCh37_chr17:41243136-41244335; plus strand). Cytogenetic location: 17q21.31.
Variant type: Deletion.
Coding change: c.3858del on transcript NM_007294.4 (MANE Select); coding-DNA position 3858, one base deleted (T; older notation c.3858delT).
Protein change: p.Ser1286fs; shifts the reading frame from serine 1286.
Molecular consequence: frameshift variant. On other transcripts: intron variant (135).
Genome position (GRCh38, 1-based): chr17:43,091,673, A deleted on the plus strand (T on the coding strand, the reverse complement: BRCA1 is on the minus strand). VCF-style (leftmost placement, unchanged base first): chr17-43091672-CA-C. GRCh37 (hg19) VCF-style: chr17-41243689-CA-C.
Other names: c.3477del, p.Ser1159fs (NM_001407960.1, NM_001407963.1, NM_001407959.1); c.3474del, p.Ser1158fs (NM_001407962.1); c.3714del, p.Ser1238fs (NM_001407964.1, NM_001407740.1, NM_001407741.1 and 20 more transcripts); c.3354del, p.Ser1118fs (NM_001407965.1); c.2970del, p.Ser990fs (NM_001407966.1, NM_001407967.1); c.1254del, p.Ser418fs (NM_001407968.1, NM_001407969.1); c.3522del, p.Ser1174fs (NM_001407956.1, NM_001407958.1, NM_001407954.1 and 1 more transcripts); c.3525del, p.Ser1175fs (NM_001407957.1, NM_001407946.1, NM_001407947.1 and 6 more transcripts); and 41 more; short protein forms S1118fs, S1158fs, S1159fs, S1174fs, S1175fs, S1197fs, S1198fs, S1215fs.
Identifiers: ClinVar variation 4856744 (VCV004856744.1).